The following is an entry in ClinVar:

ClinVar aggregate classification (germline): Uncertain significance (1 of 4 stars; one submission).

Submission:

Labcorp Genetics (formerly Invitae), Labcorp
Classification: Uncertain significance. Last evaluated: 2021-01-08. Review status: criteria provided, single submitter. Criteria: Invitae Variant Classification Sherloc (09022015). Collection method: clinical testing. Allele origin: germline.
Comment: In summary, the available evidence is currently insufficient to determine the role of this variant in disease. Therefore, it has been classified as a Variant of Uncertain Significance. Algorithms developed to predict the effect of missense changes on protein structure and function are either unavailable or do not agree on the potential impact of this missense change (SIFT: "Tolerated"; PolyPhen-2: "Possibly Damaging"; Align-GVGD: "Class C0"). This variant has not been reported in the literature in individuals with GRIA3-related conditions. This variant is not present in population databases (ExAC no frequency). This sequence change replaces serine with tyrosine at codon 712 of the GRIA3 protein (p.Ser712Tyr). The serine residue is highly conserved and there is a large physicochemical difference between serine and tyrosine.

NM_007325.5(GRIA3):c.2135C>A (p.Ser712Tyr)

Gene: GRIA3 (glutamate ionotropic receptor AMPA type subunit 3; plus strand). Cytogenetic location: Xq25.
Variant type: single nucleotide variant.
Coding change: c.2135C>A on transcript NM_007325.5 (MANE Select); coding-DNA position 2135, C replaced by A.
Protein change: p.Ser712Tyr; replaces serine 712 with tyrosine.
Molecular consequence: missense variant.
Genome position (GRCh38, 1-based): chrX:123,464,923, C>A. VCF-style: chrX-123464923-C-A. GRCh37 (hg19) VCF-style: chrX-122598774-C-A.
Other names: c.2135C>A, p.Ser712Tyr (NM_000828.5); short protein forms S712Y.
Identifiers: ClinVar variation 1402579 (VCV001402579.8), dbSNP rs2147433817, ClinGen allele CA414264808.
Genomic context (GRCh38, chrX:123,464,923, plus strand): 5'-AGAGATCCAAAATTGCTGTGTACGAGAAAATGTGGTCTTACATGAAATCAGCGGAGCCAT[C>A]TGTGTTTACCAAAACAACAGCAGACGGAGTGGCCCGAGTGCGAAAGTCCAAGGGAAAGTT-3'
Protein context (NP_015564.5, residues 702-722): MWSYMKSAEP[Ser712Tyr]VFTKTTADGV